The following is an entry in ClinVar:

ClinVar aggregate classification (germline): Uncertain significance (1 of 4 stars; one submission).

Submission:

GeneDx
Classification: Uncertain significance. Last evaluated: 2022-05-12. Review status: criteria provided, single submitter. Criteria: GeneDx Variant Classification Process June 2021. Collection method: clinical testing. Allele origin: germline. Affected: yes.
Comment: Not observed at significant frequency in large population cohorts (gnomAD); In silico analysis supports that this missense variant has a deleterious effect on protein structure/function; Has not been previously published as pathogenic or benign to our knowledge

NM_004171.4(SLC1A2):c.240C>G (p.Phe80Leu)

Gene: SLC1A2 (solute carrier family 1 member 2; minus strand). Cytogenetic location: 11p13.
Variant type: single nucleotide variant.
Coding change: c.240C>G on transcript NM_004171.4 (MANE Select); coding-DNA position 240, C replaced by G.
Protein change: p.Phe80Leu; replaces phenylalanine 80 with leucine.
Molecular consequence: missense variant.
Genome position (GRCh38, 1-based): chr11:35,315,093, G>C on the plus strand (C>G on the coding strand, the complement: SLC1A2 is on the minus strand). VCF-style: chr11-35315093-G-C. GRCh37 (hg19) VCF-style: chr11-35336640-G-C.
Other names: c.213C>G, p.Phe71Leu (NM_001195728.3, NM_001252652.2); short protein forms F71L, F80L.
Identifiers: ClinVar variation 1723850 (VCV001723850.2), dbSNP rs2497922563, ClinGen allele CA380130540.